The following is an entry in ClinVar:

ClinVar aggregate classification (germline): Uncertain significance (1 of 4 stars; one submission).

Conditions:
Primary open angle glaucoma (POAG). Also called: OPTN-related open angle glaucoma. Identifiers: MedGen C0339573, MONDO:0100553, OMIM 137760.
Glaucoma 1, open angle, E. Identifiers: MedGen C1842026, MONDO:0007665.
Amyotrophic lateral sclerosis type 12 (ALS12). Also called: AMYOTROPHIC LATERAL SCLEROSIS 12 WITH OR WITHOUT FRONTOTEMPORAL DEMENTIA. Identifiers: Orphanet 803, MedGen C3150692, MONDO:0013264, OMIM 613435.

Submission:

Labcorp Genetics (formerly Invitae), Labcorp
Classification: Uncertain significance for Primary open angle glaucoma; Glaucoma 1, open angle, E; Amyotrophic lateral sclerosis type 12. Last evaluated: 2024-08-31. Review status: criteria provided, single submitter. Criteria: Invitae Variant Classification Sherloc (09022015). Collection method: clinical testing. Allele origin: germline.
Comment: This sequence change replaces valine, which is neutral and non-polar, with aspartic acid, which is acidic and polar, at codon 179 of the OPTN protein (p.Val179Asp). This variant is not present in population databases (gnomAD no frequency). This variant has not been reported in the literature in individuals affected with OPTN-related conditions. ClinVar contains an entry for this variant (Variation ID: 2113415). Invitae Evidence Modeling of protein sequence and biophysical properties (such as structural, functional, and spatial information, amino acid conservation, physicochemical variation, residue mobility, and thermodynamic stability) has been performed for this missense variant. However, the output from this modeling did not meet the statistical confidence thresholds required to predict the impact of this variant on OPTN protein function. In summary, the available evidence is currently insufficient to determine the role of this variant in disease. Therefore, it has been classified as a Variant of Uncertain Significance.

NM_001008212.2(OPTN):c.536T>A (p.Val179Asp)

Gene: OPTN (optineurin; plus strand). Cytogenetic location: 10p13.
Variant type: single nucleotide variant.
Coding change: c.536T>A on transcript NM_001008212.2 (MANE Select); coding-DNA position 536, T replaced by A.
Protein change: p.Val179Asp; replaces valine 179 with aspartic acid.
Molecular consequence: missense variant.
Genome position (GRCh38, 1-based): chr10:13,112,619, T>A. VCF-style: chr10-13112619-T-A. GRCh37 (hg19) VCF-style: chr10-13154619-T-A.
Other names: c.536T>A, p.Val179Asp (NM_001008211.1, NM_001008213.1, NM_021980.4); short protein forms V179D.
Identifiers: ClinVar variation 2113415 (VCV002113415.4), dbSNP rs778593114, ClinGen allele CA203256993.